The following is an entry in ClinVar:

ClinVar aggregate classification (germline): Pathogenic/Likely pathogenic. Review status: criteria provided, multiple submitters, no conflicts (2 of 4 stars). 5 submissions from 5 submitters: Pathogenic (3); Likely pathogenic (1). 1 of the submissions does not count toward it. Last evaluated 2026-01-17.

Conditions:
GALC-related disorders.
Galactosylceramide beta-galactosidase deficiency. Also called: Leukodystrophy, Globoid Cell; Krabbe Disease; GALACTOCEREBROSIDASE DEFICIENCY; GALC DEFICIENCY; GLOBOID CELL LEUKOENCEPHALOPATHY. Identifiers: Orphanet 487, MedGen C0023521, MONDO:0009499, OMIM 245200.

Allele frequency attached by ClinVar (database versions not stated): TOPMed 0.00001; gnomAD 0.00003; ESP Exome Variant Server 0.00008.

Submissions (5):

GeneDx
Classification: Likely pathogenic. Last evaluated: 2026-01-17. Review status: criteria provided, single submitter. Criteria: GeneDx Variant Classification Process June 2021. Collection method: clinical testing. Allele origin: germline.
Comment: Observed with a second GALC variant or in the homozygous state in patients with Krabbe disease in published literature (PMID: 17579360, 20886637, 32089546); Published functional studies demonstrate loss-of-function (PMID: 23620143, 27638593); Also known as E114K using alternate nomenclature; In silico analysis supports that this missense variant has a deleterious effect on protein structure/function; Not observed at significant frequency in large population cohorts (gnomAD); This variant is associated with the following publications: (PMID: 23620143, 20886637, 31589614, 32089546, 27638593, 35013804, 17579360)

Blueprint Genetics
Classification: Pathogenic for GALC-related disorders. Last evaluated: 2024-07-05. Review status: criteria provided, single submitter. Criteria: ACMG Guidelines, 2015. Collection method: clinical testing. Allele origin: germline. Affected: yes. Observed: 5 variant alleles.

Labcorp Genetics (formerly Invitae), Labcorp
Classification: Pathogenic for Galactosylceramide beta-galactosidase deficiency. Last evaluated: 2024-01-20. Review status: criteria provided, single submitter. Criteria: Invitae Variant Classification Sherloc (09022015). Collection method: clinical testing. Allele origin: germline.
Comment: This sequence change replaces glutamic acid, which is acidic and polar, with lysine, which is basic and polar, at codon 130 of the GALC protein (p.Glu130Lys). This variant is present in population databases (rs374635469, gnomAD 0.002%). This missense change has been observed in individual(s) with Krabbe disease (PMID: 17579360, 20886637). This variant is also known as c.340G>A Glu114Lys. ClinVar contains an entry for this variant (Variation ID: 188817). Advanced modeling of protein sequence and biophysical properties (such as structural, functional, and spatial information, amino acid conservation, physicochemical variation, residue mobility, and thermodynamic stability) performed at Invitae indicates that this missense variant is expected to disrupt GALC protein function with a positive predictive value of 95%. Experimental studies have shown that this missense change affects GALC function (PMID: 23620143, 27638593). For these reasons, this variant has been classified as Pathogenic.

Women's Health and Genetics/Laboratory Corporation of America, LabCorp
Classification: Pathogenic for Galactosylceramide beta-galactosidase deficiency. Last evaluated: 2022-02-17. Review status: criteria provided, single submitter. Criteria: LabCorp Variant Classification Summary - May 2015. Collection method: clinical testing. Allele origin: germline.
Comment: Variant summary: GALC c.388G>A (p.Glu130Lys) results in a conservative amino acid change in the encoded protein sequence. Four of five in-silico tools predict a damaging effect of the variant on protein function. The variant allele was found at a frequency of 8e-06 in 249416 control chromosomes (gnomAD). c.388G>A has been reported in the literature in a homozygous and multiple compound heterozygous individuals affected with Krabbe Disease (example: Guenzel_2020, Tappino_2010 and Lissens_2007). These data indicate that the variant is very likely to be associated with disease. Guenzel_2020 demonstrated the homozygous individual in this study had significantly reduced GALC activity in WBC. No clinical diagnostic laboratories have submitted clinical-significance assessments for this variant to ClinVar after 2014. Based on the evidence outlined above, the variant was classified as pathogenic.

Counsyl
Classification: Likely pathogenic for Galactosylceramide beta-galactosidase deficiency. Last evaluated: 2014-06-06. Review status: no assertion criteria provided. Collection method: literature only. Allele origin: unknown. Inheritance: Autosomal recessive inheritance. Not counted in ClinVar's aggregate classification.

Literature cited by the submitters: PubMed 17579360 (cited by 3 submitters); PubMed 20886637 (cited by 3 submitters); PubMed 23620143 (cited by Labcorp Genetics (formerly Invitae), Labcorp and Counsyl); PubMed 27638593 (cited by Labcorp Genetics (formerly Invitae), Labcorp); PubMed 21070211 (cited by Women's Health and Genetics/Laboratory Corporation of America, LabCorp); PubMed 32089546 (cited by Women's Health and Genetics/Laboratory Corporation of America, LabCorp); PubMed 21876145 (cited by Counsyl).

NM_000153.4(GALC):c.388G>A (p.Glu130Lys)

Gene: GALC (galactosylceramidase; minus strand). Cytogenetic location: 14q31.3.
Variant type: single nucleotide variant.
Coding change: c.388G>A on transcript NM_000153.4 (MANE Select); coding-DNA position 388, G replaced by A.
Protein change: p.Glu130Lys; replaces glutamic acid 130 with lysine.
Molecular consequence: missense variant.
Genome position (GRCh38, 1-based): chr14:87,986,543, C>T on the plus strand (G>A on the coding strand, the complement: GALC is on the minus strand). VCF-style: chr14-87986543-C-T. GRCh37 (hg19) VCF-style: chr14-88452887-C-T.
Other names: c.319G>A, p.Glu107Lys (NM_001201401.2); c.310G>A, p.Glu104Lys (NM_001201402.2); short protein forms E130K, E104K, E107K.
Identifiers: ClinVar variation 188817 (VCV000188817.13), dbSNP rs374635469, ClinGen allele CA273994.